The following is an entry in ClinVar:

ClinVar aggregate classification (germline): Benign/Likely benign. Review status: criteria provided, multiple submitters, no conflicts (2 of 4 stars). 3 submissions from 3 submitters: Benign (1); Likely benign (2). Last evaluated 2024-05-22.

Conditions:
Familial cancer of breast. Also called: Hereditary breast cancer; BREAST CANCER, FAMILIAL; hereditary breast carcinoma. Identifiers: Orphanet 227535, MedGen C0346153, MONDO:0016419, OMIM 114480. Disease mechanism: loss of function.
Ataxia-telangiectasia syndrome (AT). Also called: Ataxia telangiectasia (A-T); ATAXIA-TELANGIECTASIA, COMPLEMENTATION GROUP A; ATAXIA-TELANGIECTASIA, FRESNO VARIANT; Ataxia-telangiectasia, complementation group D; AT, COMPLEMENTATION GROUP C; Ataxia-telangiectasia, complementation group E. Identifiers: Orphanet 100, MedGen C0004135, MONDO:0008840, OMIM 208900.
Hereditary cancer-predisposing syndrome. Also called: Hereditary neoplastic syndrome; Neoplastic Syndromes, Hereditary; Hereditary Cancer Syndrome; Tumor predisposition. Identifiers: Orphanet 140162, MedGen C0027672, MeSH D009386, MONDO:0015356.

Submissions (3):

Myriad Genetics, Inc.
Classification: Benign for Familial cancer of breast. Last evaluated: 2024-05-22. Review status: criteria provided, single submitter. Criteria: Myriad Autosomal Dominant, Autosomal Recessive and X-Linked Classification Criteria (2023). Collection method: clinical testing. Allele origin: unknown.
Comment: This variant is considered benign. This variant is a silent/synonymous amino acid change and it is not expected to impact splicing.

Labcorp Genetics (formerly Invitae), Labcorp
Classification: Likely benign for Ataxia-telangiectasia syndrome. Last evaluated: 2022-09-12. Review status: criteria provided, single submitter. Criteria: Invitae Variant Classification Sherloc (09022015). Collection method: clinical testing. Allele origin: germline.

Color Diagnostics, LLC DBA Color Health
Classification: Likely benign for Hereditary cancer-predisposing syndrome. Last evaluated: 2020-07-13. Review status: criteria provided, single submitter. Criteria: ACMG Guidelines, 2015. Collection method: clinical testing. Allele origin: germline.

NM_000051.4(ATM):c.5262G>A (p.Lys1754=)

Gene: ATM (ATM serine/threonine kinase; plus strand). Cytogenetic location: 11q22.3.
Variant type: single nucleotide variant.
Coding change: c.5262G>A on transcript NM_000051.4 (MANE Select); coding-DNA position 5262, G replaced by A.
Protein change: p.Lys1754=; no amino-acid change (lysine 1754 retained).
Molecular consequence: synonymous variant.
Genome position (GRCh38, 1-based): chr11:108,301,732, G>A. VCF-style: chr11-108301732-G-A. GRCh37 (hg19) VCF-style: chr11-108172459-G-A.
Other names: c.5262G>A, p.Lys1754= (NM_001351834.2).
Identifiers: ClinVar variation 1171057 (VCV001171057.11), dbSNP rs748900588, ClinGen allele CA476674797.
Genomic context (GRCh38, chr11:108,301,732, plus strand): 5'-TACCTGTTTGAAAAACATTTTAGCCACAAAGACTGGACATAGTTTCTGGGAGATTTATAA[G>A]ATGACAACAGATCCAATGCTGGCCTATCTACAGCCTTTTAGAACATCAAGAAAAAAGGTC-3'
Protein context (NP_000042.3, residues 1744-1764): KTGHSFWEIY[Lys1754=]MTTDPMLAYL